The following is an entry in ClinVar:

ClinVar aggregate classification (germline): Uncertain significance. Review status: criteria provided, multiple submitters, no conflicts (2 of 4 stars). 2 submissions from 2 submitters: Uncertain significance (2). Last evaluated 2026-07-06.

Conditions:
Hereditary cancer-predisposing syndrome. Also called: Hereditary Cancer Syndrome; Tumor predisposition; Hereditary neoplastic syndrome; Neoplastic Syndromes, Hereditary. Identifiers: Orphanet 140162, MedGen C0027672, MeSH D009386, MONDO:0015356.

Submissions (2):

Ambry Genetics
Classification: Uncertain significance for Hereditary cancer-predisposing syndrome. Last evaluated: 2026-07-06. Review status: criteria provided, single submitter. Criteria: Ambry Variant Classification Scheme 2023. Collection method: clinical testing. Allele origin: germline.
Comment: The p.R252G variant (also known as c.754C>G), located in coding exon 9 of the BAP1 gene, results from a C to G substitution at nucleotide position 754. The arginine at codon 252 is replaced by glycine, an amino acid with dissimilar properties. This amino acid position is conserved. In addition, this alteration is predicted to be deleterious by in silico analysis. Based on the available evidence, the clinical significance of this variant remains unclear.

Color Diagnostics, LLC DBA Color Health
Classification: Uncertain significance for Hereditary cancer-predisposing syndrome. Last evaluated: 2023-12-04. Review status: criteria provided, single submitter. Criteria: ACMG Guidelines, 2015. Collection method: clinical testing. Allele origin: germline.
Comment: This missense variant replaces arginine with glycine at codon 252 of the BAP1 protein. Computational prediction suggests that this variant may not impact protein structure and function (internally defined REVEL score threshold <= 0.5, PMID: 27666373). To our knowledge, functional studies have not been reported for this variant. This variant has not been reported in individuals affected with BAP1-related disorders in the literature. This variant has been identified in 1/251296 chromosomes in the general population by the Genome Aggregation Database (gnomAD). The available evidence is insufficient to determine the role of this variant in disease conclusively. Therefore, this variant is classified as a Variant of Uncertain Significance.

NM_004656.4(BAP1):c.754C>G (p.Arg252Gly)

Gene: BAP1 (BRCA1 associated deubiquitinase 1; minus strand). Cytogenetic location: 3p21.1.
Variant type: single nucleotide variant.
Coding change: c.754C>G on transcript NM_004656.4 (MANE Select); coding-DNA position 754, C replaced by G.
Protein change: p.Arg252Gly; replaces arginine 252 with glycine.
Molecular consequence: missense variant.
Genome position (GRCh38, 1-based): chr3:52,406,282, G>C on the plus strand (C>G on the coding strand, the complement: BAP1 is on the minus strand). VCF-style: chr3-52406282-G-C. GRCh37 (hg19) VCF-style: chr3-52440298-G-C.
Other names: c.754C>G (NM_004656.2); short protein forms R252G.
Identifiers: ClinVar variation 490888 (VCV000490888.7), dbSNP rs764891422, ClinGen allele CA2437011.